The following is an entry in ClinVar:

NM_032520.5(GNPTG):c.110+1G>A

Gene: GNPTG (N-acetylglucosamine-1-phosphate transferase subunit gamma; plus strand). Cytogenetic location: 16p13.3.
Variant type: single nucleotide variant.
Coding change: c.110+1G>A on transcript NM_032520.5 (MANE Select); the canonical splice donor site of the intron after coding-DNA position 110, G replaced by A.
Molecular consequence: splice donor variant.
Genome position (GRCh38, 1-based): chr16:1,352,160, G>A. VCF-style: chr16-1352160-G-A. GRCh37 (hg19) VCF-style: chr16-1402161-G-A.
Identifiers: ClinVar variation 555853 (VCV000555853.10), dbSNP rs1555450716, ClinGen allele CA394184231.

ClinVar aggregate classification (germline): Likely pathogenic. Review status: criteria provided, single submitter (1 of 4 stars). 2 submissions from 2 submitters: Likely pathogenic (1). 1 of the submissions does not count toward it. Last evaluated 2025-05-16.

Conditions:
GNPTG-mucolipidosis. Also called: Mucolipidosis type III gamma; ML III GAMMA; ML IIIC; MUCOLIPIDOSIS III, COMPLEMENTATION GROUP C; MUCOLIPIDOSIS III, IRANIAN VARIANT FORM; MUCOLIPIDOSIS III, VARIANT FORM. Identifiers: Orphanet 423470, Orphanet 577, MedGen C1854896, MONDO:0009652, OMIM 252605.

Submissions (2):

Labcorp Genetics (formerly Invitae), Labcorp
Classification: Likely pathogenic. Last evaluated: 2025-05-16. Review status: criteria provided, single submitter. Criteria: Invitae Variant Classification Sherloc (09022015). Collection method: clinical testing. Allele origin: germline.
Comment: This sequence change affects a donor splice site in intron 2 of the GNPTG gene. It is expected to disrupt RNA splicing. Variants that disrupt the donor or acceptor splice site typically lead to a loss of protein function (PMID: 16199547), and loss-of-function variants in GNPTG are known to be pathogenic (PMID: 19370764, 20301784). This variant is not present in population databases (gnomAD no frequency). Disruption of this splice site has been observed in individual(s) with mucolipidosis III gamma (PMID: 32651481). ClinVar contains an entry for this variant (Variation ID: 555853). Algorithms developed to predict the effect of sequence changes on RNA splicing suggest that this variant may disrupt the consensus splice site. In summary, the currently available evidence indicates that the variant is pathogenic, but additional data are needed to prove that conclusively. Therefore, this variant has been classified as Likely Pathogenic.

Counsyl
Classification: Likely pathogenic for GNPTG-mucolipidosis. Last evaluated: 2017-12-29. Review status: no assertion criteria provided. Collection method: clinical testing. Allele origin: unknown. Not counted in ClinVar's aggregate classification.

Literature cited by the submitters: PubMed 16199547 (cited by Labcorp Genetics (formerly Invitae), Labcorp); PubMed 19370764 (cited by Labcorp Genetics (formerly Invitae), Labcorp); PubMed 20301784 (cited by Labcorp Genetics (formerly Invitae), Labcorp); PubMed 32651481 (cited by Labcorp Genetics (formerly Invitae), Labcorp).